The following is an entry in ClinVar:

NM_006254.4(PRKCD):c.912A>G (p.Ser304=)

Gene: PRKCD (protein kinase C delta; plus strand). Cytogenetic location: 3p21.1.
Variant type: single nucleotide variant.
Coding change: c.912A>G on transcript NM_006254.4 (MANE Select); coding-DNA position 912, A replaced by G.
Protein change: p.Ser304=; no amino-acid change (serine 304 retained).
Molecular consequence: synonymous variant.
Genome position (GRCh38, 1-based): chr3:53,185,627, A>G. VCF-style: chr3-53185627-A-G. GRCh37 (hg19) VCF-style: chr3-53219643-A-G.
Other names: c.912A>G, p.Ser304= (NM_001316327.2, NM_001354679.2, NM_001354680.2 and 1 more transcripts); c.969A>G, p.Ser323= (NM_001354676.2); c.960A>G, p.Ser320= (NM_001354678.2).
Identifiers: ClinVar variation 725398 (VCV000725398.11), dbSNP rs529176751, ClinGen allele CA2452017.

ClinVar aggregate classification (germline): Benign. Review status: criteria provided, single submitter (1 of 4 stars). 2 submissions from 2 submitters: Benign (1). 1 of the submissions does not count toward it. Last evaluated 2026-01-26.

Conditions:
Autoimmune lymphoproliferative syndrome, type III caused by mutation in PRKCD. Identifiers: Orphanet 3261, Orphanet 664711, MedGen C3809928, MONDO:8000024, OMIM 615559.
PRKCD-related disorder. Also called: PRKCD-related condition.

Allele frequency attached by ClinVar (database versions not stated): gnomAD below 0.00001 and 0.00040; TOPMed 0.00006; gnomAD exomes 0.00161; ExAC 0.00181; 1000 Genomes Project 0.00339; 1000 Genomes Project 30x 0.00344.
gnomAD v4.1: 1,185 of 1,613,486 alleles (0.073%); highest among the groups gnomAD compares: South Asian, 1.2%; 16 homozygotes.

Submissions (2):

Labcorp Genetics (formerly Invitae), Labcorp
Classification: Benign for Autoimmune lymphoproliferative syndrome, type III caused by mutation in PRKCD. Last evaluated: 2026-01-26. Review status: criteria provided, single submitter. Criteria: Invitae Variant Classification Sherloc (09022015). Collection method: clinical testing. Allele origin: germline.

PreventionGenetics, part of Exact Sciences
Classification: Likely benign for PRKCD-related condition. Last evaluated: 2024-08-06. Review status: no assertion criteria provided. Collection method: clinical testing. Allele origin: germline. Not counted in ClinVar's aggregate classification.
Comment: This variant is classified as likely benign based on ACMG/AMP sequence variant interpretation guidelines (Richards et al. 2015 PMID: 25741868, with internal and published modifications).